The following is an entry in ClinVar:

ClinVar aggregate classification (germline): Pathogenic (1 of 4 stars; one submission).

Conditions:
Intellectual developmental disorder, autosomal dominant 56. Also called: MENTAL RETARDATION, AUTOSOMAL DOMINANT 56; Intellectual disability, autosomal dominant 56. Identifiers: MedGen C4693389, MONDO:0030922, OMIM 617854.

Submission:

Victorian Clinical Genetics Services, Murdoch Childrens Research Institute
Classification: Pathogenic for Intellectual developmental disorder, autosomal dominant 56. Last evaluated: 2025-11-17. Review status: criteria provided, single submitter. Criteria: ACMG Guidelines, 2015. Collection method: clinical testing. Allele origin: germline. Affected: yes.
Comment: This variant is classified as Pathogenic. Evidence in support of pathogenic classification: Variant is predicted to cause nonsense-mediated decay (NMD) and loss of protein (premature termination codon is located at least 54 nucleotides upstream of the final exon-exon junction); Variant is absent from gnomAD (v2, v3 and v4); Other NMD-predicted variant(s) comparable to the one identified in this case have very strong previous evidence for pathogenicity (DECIPHER, ClinVar). Additional information: This variant is heterozygous; This gene is associated with autosomal dominant disease; This variant has no previous evidence of pathogenicity; No published segregation evidence has been identified for this variant; No published functional evidence has been identified for this variant; Loss of function is a known mechanism of disease in this gene and is associated with autosomal dominant intellectual developmental disorder 56 (MIM#617854); Variants in this gene are known to have variable expressivity (PMID: 31776469).

Literature cited by the submitters: PubMed 31776469.

NM_004859.4(CLTC):c.2636T>G (p.Leu879Ter)

Gene: CLTC (clathrin heavy chain; plus strand). Cytogenetic location: 17q23.1.
Variant type: single nucleotide variant.
Coding change: c.2636T>G on transcript NM_004859.4 (MANE Select); coding-DNA position 2636, T replaced by G.
Protein change: p.Leu879Ter; replaces leucine 879 with a stop codon.
Molecular consequence: nonsense.
Genome position (GRCh38, 1-based): chr17:59,677,028, T>G. VCF-style: chr17-59677028-T-G. GRCh37 (hg19) VCF-style: chr17-57754389-T-G.
Other names: c.2648T>G, p.Leu883Ter (NM_001288653.2); short protein forms L879*, L883*.
Identifiers: ClinVar variation 4531672 (VCV004531672.1).